The following is an entry in ClinVar:

NM_000362.5(TIMP3):c.209A>G (p.Tyr70Cys)

Genes: TIMP3 (TIMP metallopeptidase inhibitor 3; plus strand), SYN3 (synapsin III; minus strand). Cytogenetic location: 22q12.3.
Variant type: single nucleotide variant.
Coding change: c.209A>G on transcript NM_000362.5 (MANE Select); coding-DNA position 209, A replaced by G.
Protein change: p.Tyr70Cys; replaces tyrosine 70 with cysteine.
Molecular consequence: missense variant. On other transcripts: intron variant (7).
Genome position (GRCh38, 1-based): chr22:32,857,253, A>G. VCF-style: chr22-32857253-A-G. GRCh37 (hg19) VCF-style: chr22-33253240-A-G.
Other names: c.708+7662T>C (NM_001369909.1, NM_001135774.2, NM_001369910.1); c.711+7662T>C (NM_001369907.1, NM_003490.4, NM_001369908.1 and 1 more transcripts); short protein forms Y70C.
Identifiers: ClinVar variation 4733855 (VCV004733855.1).

ClinVar aggregate classification (germline): Uncertain significance (1 of 4 stars; one submission).

gnomAD v4.1: 1 of 1,613,430 alleles (0.000062%); no homozygotes.

Submission:

Labcorp Genetics (formerly Invitae), Labcorp
Classification: Uncertain significance. Last evaluated: 2025-12-29. Review status: criteria provided, single submitter. Criteria: Invitae Variant Classification Sherloc (09022015). Collection method: clinical testing. Allele origin: germline.
Comment: This sequence change replaces tyrosine, which is neutral and polar, with cysteine, which is neutral and slightly polar, at codon 70 of the TIMP3 protein (p.Tyr70Cys). This variant is not present in population databases (gnomAD no frequency). This variant has not been reported in the literature in individuals affected with TIMP3-related conditions. An algorithm developed to predict the effect of missense changes on protein structure and function (PolyPhen-2) suggests that this variant is likely to be disruptive. In summary, the available evidence is currently insufficient to determine the role of this variant in disease. Therefore, it has been classified as a Variant of Uncertain Significance.